The following is an entry in ClinVar:

NM_004820.5(CYP7B1):c.51G>A (p.Leu17=)

Genes: CYP7B1 (cytochrome P450 family 7 subfamily B member 1; minus strand), LOC130000507 (ATAC-STARR-seq lymphoblastoid silent region 19243; plus strand). Cytogenetic location: 8q12.3.
Variant type: single nucleotide variant.
Coding change: c.51G>A on transcript NM_004820.5 (MANE Select); coding-DNA position 51, G replaced by A.
Protein change: p.Leu17=; no amino-acid change (leucine 17 retained).
Molecular consequence: synonymous variant.
Genome position (GRCh38, 1-based): chr8:64,798,537, C>T on the plus strand (G>A on the coding strand, the complement: CYP7B1 is on the minus strand). VCF-style: chr8-64798537-C-T. GRCh37 (hg19) VCF-style: chr8-65711094-C-T.
Other names: c.51G>A, p.Leu17= (NM_001324112.2).
Identifiers: ClinVar variation 518116 (VCV000518116.10), dbSNP rs929284330, ClinGen allele CA179061876.

ClinVar aggregate classification (germline): Likely benign. Review status: criteria provided, multiple submitters, no conflicts (2 of 4 stars). 2 submissions from 2 submitters: Likely benign (2). Last evaluated 2025-06-07.

Conditions:
Spastic paraplegia. Identifiers: MedGen C0037772, HP:0001258.

Allele frequency attached by ClinVar (database versions not stated): gnomAD 0.00001; gnomAD exomes 0.00002; TOPMed 0.00002.
gnomAD v4.1: 28 of 1,497,992 alleles (0.0019%); highest among the groups gnomAD compares: African/African-American, 0.0029%; no homozygotes.

Submissions (2):

Labcorp Genetics (formerly Invitae), Labcorp
Classification: Likely benign for Spastic paraplegia. Last evaluated: 2025-06-07. Review status: criteria provided, single submitter. Criteria: Invitae Variant Classification Sherloc (09022015). Collection method: clinical testing. Allele origin: germline.

GeneDx
Classification: Likely benign. Last evaluated: 2017-06-22. Review status: criteria provided, single submitter. Criteria: GeneDx Variant Classification (06012015). Collection method: clinical testing. Allele origin: germline. Affected: yes.
Comment: This variant is considered likely benign or benign based on one or more of the following criteria: it is a conservative change, it occurs at a poorly conserved position in the protein, it is predicted to be benign by multiple in silico algorithms, and/or has population frequency not consistent with disease.